The following is an entry in ClinVar:

NM_152393.4(KLHL40):c.223G>T (p.Glu75Ter)

Gene: KLHL40 (kelch like family member 40; plus strand). Cytogenetic location: 3p22.1.
Variant type: single nucleotide variant.
Coding change: c.223G>T on transcript NM_152393.4 (MANE Select); coding-DNA position 223, G replaced by T.
Protein change: p.Glu75Ter; replaces glutamic acid 75 with a stop codon.
Molecular consequence: nonsense.
Genome position (GRCh38, 1-based): chr3:42,685,841, G>T. VCF-style: chr3-42685841-G-T. GRCh37 (hg19) VCF-style: chr3-42727333-G-T.
Other names: short protein forms E75*.
Identifiers: ClinVar variation 1405293 (VCV001405293.6), dbSNP rs2125844563, ClinGen allele CA352288925.

ClinVar aggregate classification (germline): Pathogenic (1 of 4 stars; one submission).

Conditions:
Nemaline myopathy 8 (NEM8). Also called: Nemaline myopathy 8, autosomal recessive. Identifiers: Orphanet 171430, MedGen C3809209, MONDO:0014138, OMIM 615348.

Allele frequency attached by ClinVar (database versions not stated): gnomAD exomes below 0.00001.

Submission:

Labcorp Genetics (formerly Invitae), Labcorp
Classification: Pathogenic for Nemaline myopathy 8. Last evaluated: 2021-07-13. Review status: criteria provided, single submitter. Criteria: Invitae Variant Classification Sherloc (09022015). Collection method: clinical testing. Allele origin: germline.
Comment: This sequence change creates a premature translational stop signal (p.Glu75*) in the KLHL40 gene. It is expected to result in an absent or disrupted protein product. Loss-of-function variants in KLHL40 are known to be pathogenic (PMID: 23746549). This variant is not present in population databases (ExAC no frequency). This variant has not been reported in the literature in individuals affected with KLHL40-related conditions. For these reasons, this variant has been classified as Pathogenic.

Literature cited by the submitters: PubMed 23746549.